The following is an entry in ClinVar:

ClinVar aggregate classification (germline): Likely benign. Review status: criteria provided, multiple submitters, no conflicts (2 of 4 stars). 2 submissions from 2 submitters: Likely benign (2). Last evaluated 2023-03-10.

Allele frequency attached by ClinVar (database versions not stated): gnomAD exomes below 0.00001; ExAC 0.00001; gnomAD 0.00001; TOPMed 0.00001.
gnomAD v4.1: 2 of 1,559,176 alleles (0.00013%); highest among the groups gnomAD compares: African/African-American, 0.0014%; no homozygotes.

Submissions (2):

Labcorp Genetics (formerly Invitae), Labcorp
Classification: Likely benign. Last evaluated: 2023-03-10. Review status: criteria provided, single submitter. Criteria: Invitae Variant Classification Sherloc (09022015). Collection method: clinical testing. Allele origin: germline.

GeneDx
Classification: Likely benign. Last evaluated: 2017-11-02. Review status: criteria provided, single submitter. Criteria: GeneDx Variant Classification (06012015). Collection method: clinical testing. Allele origin: germline. Affected: yes.
Comment: This variant is considered likely benign or benign based on one or more of the following criteria: it is a conservative change, it occurs at a poorly conserved position in the protein, it is predicted to be benign by multiple in silico algorithms, and/or has population frequency not consistent with disease.

NM_020381.4(PDSS2):c.1009-15C>T

Gene: PDSS2 (decaprenyl diphosphate synthase subunit 2; minus strand). Cytogenetic location: 6q21.
Variant type: single nucleotide variant.
Coding change: c.1009-15C>T on transcript NM_020381.4 (MANE Select); 15 bases into the intron before coding-DNA position 1009, C replaced by T.
Molecular consequence: intron variant.
Genome position (GRCh38, 1-based): chr6:107,193,869, G>A on the plus strand (C>T on the coding strand, the complement: PDSS2 is on the minus strand). VCF-style: chr6-107193869-G-A. GRCh37 (hg19) VCF-style: chr6-107515073-G-A.
Identifiers: ClinVar variation 512931 (VCV000512931.4), dbSNP rs779470873, ClinGen allele CA3945941.